The following is an entry in ClinVar:

ClinVar aggregate classification (germline): Uncertain significance (1 of 4 stars; one submission).

Conditions:
Hereditary cancer-predisposing syndrome. Also called: Hereditary Cancer Syndrome; Tumor predisposition; Hereditary neoplastic syndrome; Neoplastic Syndromes, Hereditary. Identifiers: Orphanet 140162, MedGen C0027672, MeSH D009386, MONDO:0015356.

Allele frequency attached by ClinVar (database versions not stated): gnomAD exomes below 0.00001.
gnomAD v4.1: 1 of 1,603,622 alleles (0.000062%); highest among the groups gnomAD compares: Non-Finnish European, 0.000085%; no homozygotes.

Submission:

Labcorp Genetics (formerly Invitae), Labcorp
Classification: Uncertain significance for Hereditary cancer-predisposing syndrome. Last evaluated: 2018-11-15. Review status: criteria provided, single submitter. Criteria: Invitae Variant Classification Sherloc (09022015). Collection method: clinical testing. Allele origin: germline.
Comment: Nucleotide substitutions within the consensus splice site are a relatively common cause of aberrant splicing (PMID: 17576681, 9536098). Algorithms developed to predict the effect of sequence changes on RNA splicing suggest that this variant is not likely to affect RNA splicing, but this prediction has not been confirmed by published transcriptional studies. In summary, the available evidence is currently insufficient to determine the role of this variant in disease. Therefore, it has been classified as a Variant of Uncertain Significance. This variant has not been reported in the literature in individuals with RAD50-related disease. This variant is not present in population databases (ExAC no frequency). This sequence change falls in intron 21 of the RAD50 gene. It does not directly change the encoded amino acid sequence of the RAD50 protein, but it affects a nucleotide within the consensus splice site of the intron.

Literature cited by the submitters: PubMed 17576681; PubMed 9536098.

NM_005732.4(RAD50):c.3390-3C>T

Genes: TH2-LCR (Th2 cytokine locus control region; plus strand), TH2LCRR (T helper type 2 locus control region associated RNA; minus strand), RAD50 (RAD50 double strand break repair protein; plus strand). Cytogenetic location: 5q31.1.
Variant type: single nucleotide variant.
Coding change: c.3390-3C>T on transcript NM_005732.4 (MANE Select); 3 bases into the intron before coding-DNA position 3390, C replaced by T.
Molecular consequence: intron variant.
Genome position (GRCh38, 1-based): chr5:132,637,112, C>T. VCF-style: chr5-132637112-C-T. GRCh37 (hg19) VCF-style: chr5-131972804-C-T.
Identifiers: ClinVar variation 646324 (VCV000646324.9), dbSNP rs1581020162, ClinGen allele CA915942557.
Genomic context (GRCh38, chr5:132,637,112, plus strand): 5'-AATATTACTATTACACATAATTATTTTTTATATATATGAAGTACCAATGACTTCCTTTTC[C>T]AGAGCAATAATGAAATTTCACAGTATGAAAATGGAAGAAATCAATAAAATTATACGTGAC-3'